The following is an entry in ClinVar:

ClinVar aggregate classification (germline): Uncertain significance (1 of 4 stars; one submission).

Submission:

Labcorp Genetics (formerly Invitae), Labcorp
Classification: Uncertain significance. Last evaluated: 2024-01-25. Review status: criteria provided, single submitter. Criteria: Invitae Variant Classification Sherloc (09022015). Collection method: clinical testing. Allele origin: germline.
Comment: This sequence change replaces phenylalanine, which is neutral and non-polar, with serine, which is neutral and polar, at codon 520 of the ADGRE2 protein (p.Phe520Ser). This variant is not present in population databases (gnomAD no frequency). This variant has not been reported in the literature in individuals affected with ADGRE2-related conditions. An algorithm developed to predict the effect of missense changes on protein structure and function (PolyPhen-2) suggests that this variant is likely to be disruptive. In summary, the available evidence is currently insufficient to determine the role of this variant in disease. Therefore, it has been classified as a Variant of Uncertain Significance.

NM_013447.4(ADGRE2):c.1559T>C (p.Phe520Ser)

Gene: ADGRE2 (adhesion G protein-coupled receptor E2; minus strand). Cytogenetic location: 19p13.12.
Variant type: single nucleotide variant.
Coding change: c.1559T>C on transcript NM_013447.4 (MANE Select); coding-DNA position 1559, T replaced by C.
Protein change: p.Phe520Ser; replaces phenylalanine 520 with serine.
Molecular consequence: missense variant. On other transcripts: intron variant (1).
Genome position (GRCh38, 1-based): chr19:14,754,985, A>G on the plus strand (T>C on the coding strand, the complement: ADGRE2 is on the minus strand). VCF-style: chr19-14754985-A-G. GRCh37 (hg19) VCF-style: chr19-14865797-A-G.
Other names: c.1412T>C, p.Phe471Ser (NM_152916.2); c.1280T>C, p.Phe427Ser (NM_152917.2); c.1416+669T>C (NM_001271052.1); short protein forms F427S, F471S, F520S.
Identifiers: ClinVar variation 3683259 (VCV003683259.2).